The following is an entry in ClinVar:

ClinVar aggregate classification (germline): Likely pathogenic. Review status: criteria provided, multiple submitters, no conflicts (2 of 4 stars). 2 submissions from 2 submitters: Likely pathogenic (2). Last evaluated 2025-09-09.

Conditions:
Mitochondrial neurogastrointestinal encephalomyopathy. Also called: Mitochondrial neurogastrointestinal encephalopathy syndrome; MNGIE syndrome; Thymidine phosphorylase deficiency. Identifiers: Orphanet 298, MedGen C0872218, MONDO:0017575.

Allele frequency attached by ClinVar (database versions not stated): gnomAD exomes below 0.00001; gnomAD 0.00001; TOPMed 0.00001.
gnomAD v4.1: 3 of 1,491,610 alleles (0.0002%); highest among the groups gnomAD compares: African/African-American, 0.0029%; no homozygotes.

Submissions (2):

Natera, Inc.
Classification: Likely pathogenic for Mitochondrial neurogastrointestinal encephalomyopathy. Last evaluated: 2025-09-09. Review status: criteria provided, single submitter. Criteria: Natera Variant Classification Schema (03/2026). Collection method: clinical testing. Allele origin: germline.
Comment: The c.929-1G>A variant in TYMP is a canonical splice acceptor site variant predicted to affect pre-mRNA splicing, which may result in an abnormal transcript and altered protein product. This variant is expected to result in nonsense mediated decay, truncation, or a dysfunctional protein product. This variant is rare in the general population with a frequency below the threshold expected for the associated phenotype(s). Given the available evidence, this variant is classified as Likely Pathogenic.

Labcorp Genetics (formerly Invitae), Labcorp
Classification: Likely pathogenic. Last evaluated: 2023-01-01. Review status: criteria provided, single submitter. Criteria: Invitae Variant Classification Sherloc (09022015). Collection method: clinical testing. Allele origin: germline.
Comment: This variant is not present in population databases (gnomAD no frequency). This sequence change affects an acceptor splice site in intron 7 of the TYMP gene. It is expected to disrupt RNA splicing. Variants that disrupt the donor or acceptor splice site typically lead to a loss of protein function (PMID: 16199547), and loss-of-function variants in TYMP are known to be pathogenic (PMID: 9924029, 15781193). This variant has not been reported in the literature in individuals affected with TYMP-related conditions. In summary, the currently available evidence indicates that the variant is pathogenic, but additional data are needed to prove that conclusively. Therefore, this variant has been classified as Likely Pathogenic. Algorithms developed to predict the effect of sequence changes on RNA splicing suggest that this variant may disrupt the consensus splice site. ClinVar contains an entry for this variant (Variation ID: 632392).

Literature cited by the submitters: PubMed 16199547 (cited by Labcorp Genetics (formerly Invitae), Labcorp); PubMed 9924029 (cited by Labcorp Genetics (formerly Invitae), Labcorp); PubMed 15781193 (cited by Labcorp Genetics (formerly Invitae), Labcorp).

NM_001953.5(TYMP):c.929-1G>A

Genes: TYMP (thymidine phosphorylase; minus strand), LOC130067862 (ATAC-STARR-seq lymphoblastoid silent region 13986; plus strand). Cytogenetic location: 22q13.33.
Variant type: single nucleotide variant.
Coding change: c.929-1G>A on transcript NM_001953.5 (MANE Select); the canonical splice acceptor site of the intron before coding-DNA position 929, G replaced by A.
Molecular consequence: splice acceptor variant.
Genome position (GRCh38, 1-based): chr22:50,526,477, C>T on the plus strand (G>A on the coding strand, the complement: TYMP is on the minus strand). VCF-style: chr22-50526477-C-T. GRCh37 (hg19) VCF-style: chr22-50964906-C-T.
Other names: c.929-1G>A (NM_001257989.1, NM_001257988.1, NM_001113755.3 and 1 more transcripts).
Identifiers: ClinVar variation 632392 (VCV000632392.10), dbSNP rs1180285291, ClinGen allele CA412198435.